The following is an entry in ClinVar:

NM_004463.3(FGD1):c.2289G>A (p.Lys763=)

Gene: FGD1 (FYVE, RhoGEF and PH domain containing 1; minus strand). Cytogenetic location: Xp11.22.
Variant type: single nucleotide variant.
Coding change: c.2289G>A on transcript NM_004463.3 (MANE Select); coding-DNA position 2289, G replaced by A.
Protein change: p.Lys763=; no amino-acid change (lysine 763 retained).
Molecular consequence: synonymous variant.
Genome position (GRCh38, 1-based): chrX:54,448,953, C>T on the plus strand (G>A on the coding strand, the complement: FGD1 is on the minus strand). VCF-style: chrX-54448953-C-T. GRCh37 (hg19) VCF-style: chrX-54475386-C-T.
Identifiers: ClinVar variation 95091 (VCV000095091.34), dbSNP rs150865566, ClinGen allele CA222723.

ClinVar aggregate classification (germline): Conflicting classifications of pathogenicity. Review status: criteria provided, conflicting classifications (1 of 4 stars). 6 submissions from 6 submitters: Uncertain significance (1); Benign (1); Likely benign (4). Last evaluated 2025-11-17.

Conditions:
FGD1-related disorder. Also called: FGD1-related disorders; FGD1-related condition.
Inborn genetic diseases. Identifiers: MedGen C0950123, MeSH D030342.

Allele frequency attached by ClinVar (database versions not stated): gnomAD exomes 0.00010 and 0.00024; ExAC 0.00012; gnomAD 0.00018; TOPMed 0.00022; ESP Exome Variant Server 0.00038.
gnomAD v4.1: 277 of 1,209,024 alleles (0.023%); highest among the groups gnomAD compares: Non-Finnish European, 0.029%; 1 homozygote.

Submissions (6):

Labcorp Genetics (formerly Invitae), Labcorp
Classification: Benign. Last evaluated: 2025-11-17. Review status: criteria provided, single submitter. Criteria: Invitae Variant Classification Sherloc (09022015). Collection method: clinical testing. Allele origin: germline.

PreventionGenetics, part of Exact Sciences
Classification: Likely benign for FGD1-related condition. Last evaluated: 2025-10-23. Review status: criteria provided, single submitter. Criteria: ACMG Guidelines, 2015. Collection method: clinical testing. Allele origin: germline.
Comment: This variant is classified as likely benign based on ACMG/AMP sequence variant interpretation guidelines (Richards et al. 2015 PMID: 25741868, with internal and published modifications).

Blueprint Genetics
Classification: Likely benign. Last evaluated: 2024-10-02. Review status: criteria provided, single submitter. Criteria: ACMG Guidelines, 2015. Collection method: clinical testing. Allele origin: germline.

CeGaT Center for Human Genetics Tuebingen
Classification: Likely benign. Last evaluated: 2024-09-01. Review status: criteria provided, single submitter. Criteria: CeGaT Center For Human Genetics Tuebingen Variant Classification Criteria Version 2. Collection method: clinical testing. Allele origin: germline. Affected: yes. Observed: 1 variant allele.
Comment: FGD1: BP4, BP7, BS2

Ambry Genetics
Classification: Likely benign for Inborn genetic diseases. Last evaluated: 2017-04-14. Review status: criteria provided, single submitter. Criteria: Ambry Variant Classification Scheme 2023. Collection method: clinical testing. Allele origin: germline.

Eurofins Ntd Llc (ga)
Classification: Uncertain significance. Last evaluated: 2014-07-16. Review status: criteria provided, single submitter. Criteria: EGL Classification Definitions 2015. Collection method: clinical testing. Allele origin: germline. Observed: 1 variant allele, 1 hemizygote.